The following is an entry in ClinVar:

NM_001171.6(ABCC6):c.3086T>C (p.Val1029Ala)

Gene: ABCC6 (ATP binding cassette subfamily C member 6; minus strand). Cytogenetic location: 16p13.11.
Variant type: single nucleotide variant.
Coding change: c.3086T>C on transcript NM_001171.6 (MANE Select); coding-DNA position 3086, T replaced by C.
Protein change: p.Val1029Ala; replaces valine 1029 with alanine.
Molecular consequence: missense variant. On other transcripts: non-coding transcript variant (1).
Genome position (GRCh38, 1-based): chr16:16,165,843, A>G on the plus strand (T>C on the coding strand, the complement: ABCC6 is on the minus strand). VCF-style: chr16-16165843-A-G. GRCh37 (hg19) VCF-style: chr16-16259700-A-G.
Other names: c.2744T>C, p.Val915Ala (NM_001351800.1); short protein forms V1029A, V915A.
Identifiers: ClinVar variation 1477413 (VCV001477413.6), dbSNP rs2152228519, ClinGen allele CA394883244.

ClinVar aggregate classification (germline): Uncertain significance (1 of 4 stars; one submission).

Submission:

Labcorp Genetics (formerly Invitae), Labcorp
Classification: Uncertain significance. Last evaluated: 2022-03-09. Review status: criteria provided, single submitter. Criteria: Invitae Variant Classification Sherloc (09022015). Collection method: clinical testing. Allele origin: germline.
Comment: Advanced modeling of protein sequence and biophysical properties (such as structural, functional, and spatial information, amino acid conservation, physicochemical variation, residue mobility, and thermodynamic stability) performed at Invitae indicates that this missense variant is not expected to disrupt ABCC6 protein function. This variant has not been reported in the literature in individuals affected with ABCC6-related conditions. This variant is not present in population databases (gnomAD no frequency). This sequence change replaces valine, which is neutral and non-polar, with alanine, which is neutral and non-polar, at codon 1029 of the ABCC6 protein (p.Val1029Ala). In summary, the available evidence is currently insufficient to determine the role of this variant in disease. Therefore, it has been classified as a Variant of Uncertain Significance.